The following is an entry in ClinVar:

NM_021964.3(ZNF148):c.1471G>A (p.Val491Met)

Gene: ZNF148 (zinc finger protein 148; minus strand). Cytogenetic location: 3q21.2.
Variant type: single nucleotide variant.
Coding change: c.1471G>A on transcript NM_021964.3 (MANE Select); coding-DNA position 1471, G replaced by A.
Protein change: p.Val491Met; replaces valine 491 with methionine.
Molecular consequence: missense variant.
Genome position (GRCh38, 1-based): chr3:125,233,255, C>T on the plus strand (G>A on the coding strand, the complement: ZNF148 is on the minus strand). VCF-style: chr3-125233255-C-T. GRCh37 (hg19) VCF-style: chr3-124952099-C-T.
Other names: c.1471G>A, p.Val491Met (NM_001348424.1, NM_001348425.2, NM_001348426.2 and 7 more transcripts); c.1345G>A, p.Val449Met (NM_001348434.2); short protein forms V449M, V491M.
Identifiers: ClinVar variation 2634695 (VCV002634695.1), dbSNP rs1418138736, ClinGen allele CA354295662.

ClinVar aggregate classification (germline): Uncertain significance (1 of 4 stars; one submission).

Conditions:
ZNF148-related disorder. Also called: ZNF148-related condition.

Allele frequency attached by ClinVar (database versions not stated): gnomAD 0.00001.
gnomAD v4.1: 1 of 1,613,802 alleles (0.000062%); highest among the groups gnomAD compares: Non-Finnish European, 0.000085%; no homozygotes.

Submission:

PreventionGenetics, part of Exact Sciences
Classification: Uncertain significance for ZNF148-related condition. Last evaluated: 2023-08-25. Review status: criteria provided, single submitter. Criteria: ACMG Guidelines, 2015. Collection method: clinical testing. Allele origin: germline.
Comment: The ZNF148 c.1471G>A variant is predicted to result in the amino acid substitution p.Val491Met. To our knowledge, this variant has not been reported in the literature. This variant is reported in 0.0065% of alleles in individuals of European (Non-Finnish) descent in gnomAD. At this time, the clinical significance of this variant is uncertain due to the absence of conclusive functional and genetic evidence.